The following is an entry in ClinVar:

NM_005591.4(MRE11):c.910G>T (p.Val304Leu)

Gene: MRE11 (MRE11 double strand break repair nuclease; minus strand). Cytogenetic location: 11q21.
Variant type: single nucleotide variant.
Coding change: c.910G>T on transcript NM_005591.4 (MANE Select); coding-DNA position 910, G replaced by T.
Protein change: p.Val304Leu; replaces valine 304 with leucine.
Molecular consequence: missense variant.
Genome position (GRCh38, 1-based): chr11:94,470,578, C>A on the plus strand (G>T on the coding strand, the complement: MRE11 is on the minus strand). VCF-style: chr11-94470578-C-A. GRCh37 (hg19) VCF-style: chr11-94203744-C-A.
Other names: c.910G>T, p.Val304Leu (NM_001330347.2, NM_005590.4); short protein forms V304L.
Identifiers: ClinVar variation 479774 (VCV000479774.6), dbSNP rs770429536, ClinGen allele CA382374498.

ClinVar aggregate classification (germline): Uncertain significance. Review status: criteria provided, multiple submitters, no conflicts (2 of 4 stars). 2 submissions from 2 submitters: Uncertain significance (2). Last evaluated 2025-01-09.

Conditions:
Hereditary cancer-predisposing syndrome. Also called: Hereditary Cancer Syndrome; Neoplastic Syndromes, Hereditary; Tumor predisposition; Hereditary neoplastic syndrome. Identifiers: Orphanet 140162, MedGen C0027672, MeSH D009386, MONDO:0015356.

gnomAD v4.1: 1 of 1,613,320 alleles (0.000062%); highest among the groups gnomAD compares: Non-Finnish European, 0.000085%; no homozygotes.

Submissions (2):

Women's Health and Genetics/Laboratory Corporation of America, LabCorp
Classification: Uncertain significance. Last evaluated: 2025-01-09. Review status: criteria provided, single submitter. Criteria: LabCorp Variant Classification Summary - May 2015. Collection method: clinical testing. Allele origin: germline.
Comment: Variant summary: MRE11A c.910G>T (p.Val304Leu) results in a conservative amino acid change located in the Mre11 DNA-binding presumed domain (IPR007281) of the encoded protein sequence. Four of five in-silico tools predict a damaging effect of the variant on protein function. The variant was absent in 251022 control chromosomes (gnomAD). The available data on variant occurrences in the general population are insufficient to allow any conclusion about variant significance. To our knowledge, no occurrence of c.910G>T in individuals affected with Ataxia Telangiectasia-Like Disorder and no experimental evidence demonstrating its impact on protein function have been reported. ClinVar contains an entry for this variant (Variation ID: 479774). Based on the evidence outlined above, the variant was classified as uncertain significance.

Ambry Genetics
Classification: Uncertain significance for Hereditary cancer-predisposing syndrome. Last evaluated: 2019-07-23. Review status: criteria provided, single submitter. Criteria: Ambry Variant Classification Scheme 2023. Collection method: clinical testing. Allele origin: germline.
Comment: The p.V304L variant (also known as c.910G>T), located in coding exon 8 of the MRE11A gene, results from a G to T substitution at nucleotide position 910. The valine at codon 304 is replaced by leucine, an amino acid with highly similar properties. This amino acid position is highly conserved in available vertebrate species. In addition, the in silico prediction for this alteration is inconclusive. Since supporting evidence is limited at this time, the clinical significance of this alteration remains unclear.